The following is an entry in ClinVar:

NM_001206927.2(DNAH8):c.5061T>A (p.Phe1687Leu)

Gene: DNAH8 (dynein axonemal heavy chain 8; plus strand). Cytogenetic location: 6p21.2.
Variant type: single nucleotide variant.
Coding change: c.5061T>A on transcript NM_001206927.2 (MANE Select); coding-DNA position 5061, T replaced by A.
Protein change: p.Phe1687Leu; replaces phenylalanine 1687 with leucine.
Molecular consequence: missense variant.
Genome position (GRCh38, 1-based): chr6:38,848,663, T>A. VCF-style: chr6-38848663-T-A. GRCh37 (hg19) VCF-style: chr6-38816439-T-A.
Other names: c.4410T>A, p.Phe1470Leu (NM_001371.4); short protein forms F1470L, F1687L.
Identifiers: ClinVar variation 2045018 (VCV002045018.5), dbSNP rs754448491, ClinGen allele CA3789274.

ClinVar aggregate classification (germline): Uncertain significance. Review status: criteria provided, multiple submitters, no conflicts (2 of 4 stars). 2 submissions from 2 submitters: Uncertain significance (2). Last evaluated 2025-09-11.

Conditions:
Primary ciliary dyskinesia. Also called: Ciliary dyskinesia. Identifiers: Orphanet 244, MedGen C0008780, MONDO:0016575, HP:0012265.

Allele frequency attached by ClinVar (database versions not stated): TOPMed 0.00001; gnomAD 0.00002; gnomAD exomes 0.00004; ExAC 0.00005.
gnomAD v4.1: 58 of 1,607,678 alleles (0.0036%); highest among the groups gnomAD compares: South Asian, 0.051%; no homozygotes.

Submissions (2):

Ambry Genetics
Classification: Uncertain significance. Last evaluated: 2025-09-11. Review status: criteria provided, single submitter. Criteria: Ambry Variant Classification Scheme 2023. Collection method: clinical testing. Allele origin: germline.

Labcorp Genetics (formerly Invitae), Labcorp
Classification: Uncertain significance for Primary ciliary dyskinesia. Last evaluated: 2022-07-12. Review status: criteria provided, single submitter. Criteria: Invitae Variant Classification Sherloc (09022015). Collection method: clinical testing. Allele origin: germline.
Comment: This sequence change replaces phenylalanine, which is neutral and non-polar, with leucine, which is neutral and non-polar, at codon 1687 of the DNAH8 protein (p.Phe1687Leu). This variant is present in population databases (rs754448491, gnomAD 0.04%). This variant has not been reported in the literature in individuals affected with DNAH8-related conditions. Algorithms developed to predict the effect of missense changes on protein structure and function are either unavailable or do not agree on the potential impact of this missense change (SIFT: "Deleterious"; PolyPhen-2: "Not Available"; Align-GVGD: "Class C0"). In summary, the available evidence is currently insufficient to determine the role of this variant in disease. Therefore, it has been classified as a Variant of Uncertain Significance.